The following is an entry in ClinVar:

ClinVar aggregate classification (germline): Uncertain significance. Review status: criteria provided, multiple submitters, no conflicts (2 of 4 stars). 2 submissions from 2 submitters: Uncertain significance (2). Last evaluated 2025-06-20.

Conditions:
Hereditary cancer-predisposing syndrome. Also called: Hereditary Cancer Syndrome; Tumor predisposition; Neoplastic Syndromes, Hereditary; Hereditary neoplastic syndrome. Identifiers: Orphanet 140162, MedGen C0027672, MeSH D009386, MONDO:0015356.
Ataxia-telangiectasia syndrome (AT). Also called: ATAXIA-TELANGIECTASIA, FRESNO VARIANT; Ataxia-telangiectasia, complementation group E; Ataxia telangiectasia (A-T); Cerebello-oculocutaneous telangiectasia; Immunodeficiency with ataxia telangiectasia; LOUIS-BAR SYNDROME. Identifiers: Orphanet 100, MedGen C0004135, MONDO:0008840, OMIM 208900.

Submissions (2):

Ambry Genetics
Classification: Uncertain significance for Hereditary cancer-predisposing syndrome. Last evaluated: 2025-06-20. Review status: criteria provided, single submitter. Criteria: Ambry Variant Classification Scheme 2023. Collection method: clinical testing. Allele origin: germline.
Comment: The p.M1134L variant (also known as c.3400A>C), located in coding exon 22 of the ATM gene, results from an A to C substitution at nucleotide position 3400. The methionine at codon 1134 is replaced by leucine, an amino acid with highly similar properties. This amino acid position is conserved. In addition, this alteration is predicted to be tolerated by in silico analysis. Since supporting evidence is limited at this time, the clinical significance of this alteration remains unclear.

Labcorp Genetics (formerly Invitae), Labcorp
Classification: Uncertain significance for Ataxia-telangiectasia syndrome. Last evaluated: 2021-03-24. Review status: criteria provided, single submitter. Criteria: Invitae Variant Classification Sherloc (09022015). Collection method: clinical testing. Allele origin: germline.
Comment: This variant is not present in population databases (ExAC no frequency). This sequence change replaces methionine with leucine at codon 1134 of the ATM protein (p.Met1134Leu). The methionine residue is weakly conserved and there is a small physicochemical difference between methionine and leucine. This variant has not been reported in the literature in individuals with ATM-related disease. In summary, the available evidence is currently insufficient to determine the role of this variant in disease. Therefore, it has been classified as a Variant of Uncertain Significance. Algorithms developed to predict the effect of missense changes on protein structure and function output the following: SIFT: "Tolerated"; PolyPhen-2: "Benign"; Align-GVGD: "Class C0". The leucine amino acid residue is found in multiple mammalian species, suggesting that this missense change does not adversely affect protein function. These predictions have not been confirmed by published functional studies and their clinical significance is uncertain.

NM_000051.4(ATM):c.3400A>C (p.Met1134Leu)

Gene: ATM (ATM serine/threonine kinase; plus strand). Cytogenetic location: 11q22.3.
Variant type: single nucleotide variant.
Coding change: c.3400A>C on transcript NM_000051.4 (MANE Select); coding-DNA position 3400, A replaced by C.
Protein change: p.Met1134Leu; replaces methionine 1134 with leucine.
Molecular consequence: missense variant.
Genome position (GRCh38, 1-based): chr11:108,279,606, A>C. VCF-style: chr11-108279606-A-C. GRCh37 (hg19) VCF-style: chr11-108150333-A-C.
Other names: c.3400A>C, p.Met1134Leu (NM_001351834.2); short protein forms M1134L.
Identifiers: ClinVar variation 650508 (VCV000650508.10), dbSNP rs1591632583, ClinGen allele CA382517876.